The following is an entry in ClinVar:

ClinVar aggregate classification (germline): Conflicting classifications of pathogenicity. Review status: criteria provided, conflicting classifications (1 of 4 stars). 2 submissions from 2 submitters: Uncertain significance (1); Likely benign (1). Last evaluated 2024-01-22.

Conditions:
Inborn genetic diseases. Identifiers: MedGen C0950123, MeSH D030342.

Allele frequency attached by ClinVar (database versions not stated): gnomAD exomes 0.00002; ExAC 0.00004; gnomAD 0.00004; TOPMed 0.00007.
gnomAD v4.1: 34 of 1,559,116 alleles (0.0022%); highest among the groups gnomAD compares: African/African-American, 0.0082%; no homozygotes.

Submissions (2):

Labcorp Genetics (formerly Invitae), Labcorp
Classification: Uncertain significance. Last evaluated: 2024-01-22. Review status: criteria provided, single submitter. Criteria: Invitae Variant Classification Sherloc (09022015). Collection method: clinical testing. Allele origin: germline.
Comment: This sequence change replaces arginine, which is basic and polar, with glutamine, which is neutral and polar, at codon 870 of the CACNA2D4 protein (p.Arg870Gln). This variant is present in population databases (rs754714905, gnomAD 0.01%). This variant has not been reported in the literature in individuals affected with CACNA2D4-related conditions. ClinVar contains an entry for this variant (Variation ID: 1043404). Algorithms developed to predict the effect of missense changes on protein structure and function output the following: SIFT: "Not Available"; PolyPhen-2: "Benign"; Align-GVGD: "Not Available". The glutamine amino acid residue is found in multiple mammalian species, which suggests that this missense change does not adversely affect protein function. In summary, the available evidence is currently insufficient to determine the role of this variant in disease. Therefore, it has been classified as a Variant of Uncertain Significance.

Ambry Genetics
Classification: Likely benign for Inborn genetic diseases. Last evaluated: 2022-05-16. Review status: criteria provided, single submitter. Criteria: Ambry Variant Classification Scheme 2023. Collection method: clinical testing. Allele origin: germline.

NM_172364.5(CACNA2D4):c.2609G>A (p.Arg870Gln)

Gene: CACNA2D4 (calcium voltage-gated channel auxiliary subunit alpha2delta 4; minus strand). Cytogenetic location: 12p13.33.
Variant type: single nucleotide variant.
Coding change: c.2609G>A on transcript NM_172364.5 (MANE Select); coding-DNA position 2609, G replaced by A.
Protein change: p.Arg870Gln; replaces arginine 870 with glutamine.
Molecular consequence: missense variant.
Genome position (GRCh38, 1-based): chr12:1,811,666, C>T on the plus strand (G>A on the coding strand, the complement: CACNA2D4 is on the minus strand). VCF-style: chr12-1811666-C-T. GRCh37 (hg19) VCF-style: chr12-1920832-C-T.
Other names: c.2609G>A (NM_172364.4); short protein forms R870Q.
Identifiers: ClinVar variation 1043404 (VCV001043404.9), dbSNP rs754714905, ClinGen allele CA6386294.
Genomic context (GRCh38, chr12:1,811,666, plus strand): 5'-CACCCAGGGGAGCGTGGTGAGTCCCCAGCCCCGACCTGGCCCGACATCACACCTACCTGC[C>T]GCGTTGCCGCCCAGAATTTGCGCTGGAGGAATTCCAGCTTCATTTGGACGCCCGCGGCTA-3'
Protein context (NP_758952.4, residues 860-880): FLQRKFWAAT[Arg870Gln]QCSTVDGPCT